The following is an entry in ClinVar:

ClinVar aggregate classification (germline): Conflicting classifications of pathogenicity. Review status: criteria provided, conflicting classifications (1 of 4 stars). 3 submissions from 3 submitters: Uncertain significance (1); Likely benign (2). Last evaluated 2025-09-05.

Conditions:
VATER association. Also called: VACTERL/vater association; Vacterl association. Identifiers: Orphanet 887, MedGen C4225671, MONDO:0008642, OMIM 192350.
Inborn genetic diseases. Identifiers: MedGen C0950123, MeSH D030342.

Allele frequency attached by ClinVar (database versions not stated): gnomAD exomes 0.00002; ExAC 0.00003; gnomAD 0.00005; TOPMed 0.00007; ESP Exome Variant Server 0.00008; 1000 Genomes Project 0.00020; 1000 Genomes Project 30x 0.00031.
gnomAD v4.1: 31 of 1,614,084 alleles (0.0019%); highest among the groups gnomAD compares: African/African-American, 0.019%; no homozygotes.

Submissions (3):

Ambry Genetics
Classification: Likely benign for Inborn genetic diseases. Last evaluated: 2025-09-05. Review status: criteria provided, single submitter. Criteria: Ambry Variant Classification Scheme 2023. Collection method: clinical testing. Allele origin: germline.

Labcorp Genetics (formerly Invitae), Labcorp
Classification: Uncertain significance. Last evaluated: 2023-08-06. Review status: criteria provided, single submitter. Criteria: Invitae Variant Classification Sherloc (09022015). Collection method: clinical testing. Allele origin: germline.
Comment: This sequence change replaces alanine, which is neutral and non-polar, with threonine, which is neutral and polar, at codon 317 of the HDAC4 protein (p.Ala317Thr). This variant is present in population databases (rs374897753, gnomAD 0.03%). This variant has not been reported in the literature in individuals affected with HDAC4-related conditions. Algorithms developed to predict the effect of missense changes on protein structure and function output the following: SIFT: "Not Available"; PolyPhen-2: "Benign"; Align-GVGD: "Not Available". The threonine amino acid residue is found in multiple mammalian species, which suggests that this missense change does not adversely affect protein function. In summary, the available evidence is currently insufficient to determine the role of this variant in disease. Therefore, it has been classified as a Variant of Uncertain Significance.

Cambridge Genomics Laboratory, East Genomic Laboratory Hub, NHS Genomic Medicine Service
Classification: Likely benign for VATER association. Last evaluated: 2019-04-17. Review status: criteria provided, single submitter. Criteria: ACGS Best Practice Guidelines for Variant Classification in Rare Disease 2020. Collection method: clinical testing. Allele origin: germline. Affected: yes. Observed: 1 variant allele.

NM_001378414.1(HDAC4):c.949G>A (p.Ala317Thr)

Gene: HDAC4 (histone deacetylase 4; minus strand). Cytogenetic location: 2q37.3.
Variant type: single nucleotide variant.
Coding change: c.949G>A on transcript NM_001378414.1 (MANE Select); coding-DNA position 949, G replaced by A.
Protein change: p.Ala317Thr; replaces alanine 317 with threonine.
Molecular consequence: missense variant.
Genome position (GRCh38, 1-based): chr2:239,139,713, C>T on the plus strand (G>A on the coding strand, the complement: HDAC4 is on the minus strand). VCF-style: chr2-239139713-C-T. GRCh37 (hg19) VCF-style: chr2-240061409-C-T.
Other names: c.949G>A (NM_006037.3); c.949G>A, p.Ala317Thr (NM_001378415.1, NM_001378416.1, NM_001378417.1 and 1 more transcripts); short protein forms A317T.
Identifiers: ClinVar variation 2848472 (VCV002848472.5), dbSNP rs374897753, ClinGen allele CA2200000.